The following is an entry in ClinVar:

NM_198252.3(GSN):c.989C>T (p.Pro330Leu)

Gene: GSN (gelsolin; plus strand). Cytogenetic location: 9q33.2.
Variant type: single nucleotide variant.
Coding change: c.989C>T on transcript NM_198252.3 (MANE Select); coding-DNA position 989, C replaced by T.
Protein change: p.Pro330Leu; replaces proline 330 with leucine.
Molecular consequence: missense variant.
Genome position (GRCh38, 1-based): chr9:121,318,678, C>T. VCF-style: chr9-121318678-C-T. GRCh37 (hg19) VCF-style: chr9-124080956-C-T.
Other names: c.1142C>T, p.Pro381Leu (NM_000177.5); c.989C>T, p.Pro330Leu (NM_001127662.2, NM_001127664.2, NM_001127665.2 and 10 more transcripts); c.1097C>T, p.Pro366Leu (NM_001127663.2); c.1022C>T, p.Pro341Leu (NM_001127666.2, NM_001127667.2, NM_001353063.2 and 13 more transcripts); c.1040C>T, p.Pro347Leu (NM_001258029.2); c.1013C>T, p.Pro338Leu (NM_001258030.2); c.1061C>T, p.Pro354Leu (NM_001353076.2); c.335C>T, p.Pro112Leu (NM_001353078.2); and 1 more; short protein forms P330L, P341L, P366L, P338L, P354L, P381L, P112L, P347L.
Identifiers: ClinVar variation 1373019 (VCV001373019.9), dbSNP rs1157815026, ClinGen allele CA374746482.

ClinVar aggregate classification (germline): Uncertain significance. Review status: criteria provided, multiple submitters, no conflicts (2 of 4 stars). 4 submissions from 4 submitters: Uncertain significance (4). Last evaluated 2026-05-14.

Conditions:
Finnish type amyloidosis. Also called: Lattice corneal dystrophy associated with familial systemic amyloidosis; Meretoja's syndrome; Lattice dystrophy of the cornea with hereditary generalized amyloidosis; AMYLOIDOSIS, HEREDITARY SYSTEMIC 4, FINNISH TYPE; Amyloidosis, familial, Finnish type; Meretoja type amyloidosis. Identifiers: Orphanet 85448, MedGen C1622345, MONDO:0007097, OMIM 105120.
GSN-related disorder. Also called: GSN-related condition.

Allele frequency attached by ClinVar (database versions not stated): gnomAD 0.00001; gnomAD exomes 0.00002; TOPMed 0.00003.
gnomAD v4.1: 24 of 1,613,182 alleles (0.0015%); highest among the groups gnomAD compares: Non-Finnish European, 0.002%; no homozygotes.

Submissions (4):

PreventionGenetics, part of Exact Sciences
Classification: Uncertain significance for GSN-related condition. Last evaluated: 2026-05-14. Review status: criteria provided, single submitter. Criteria: ACMG Guidelines, 2015. Collection method: clinical testing. Allele origin: germline.
Comment: The GSN c.1142C>T variant is predicted to result in the amino acid substitution p.Pro381Leu. To our knowledge, this variant has not been reported in the literature or in a large population database (gnomAD), indicating this variant is rare. At this time, the clinical significance of this variant is uncertain due to the absence of conclusive functional and genetic evidence.

Revvity Omics, Revvity
Classification: Uncertain significance for Finnish type amyloidosis. Last evaluated: 2024-12-18. Review status: criteria provided, single submitter. Criteria: ACMG Guidelines, 2015. Collection method: clinical testing. Allele origin: germline.

Labcorp Genetics (formerly Invitae), Labcorp
Classification: Uncertain significance. Last evaluated: 2024-05-05. Review status: criteria provided, single submitter. Criteria: Invitae Variant Classification Sherloc (09022015). Collection method: clinical testing. Allele origin: germline.
Comment: This sequence change replaces proline, which is neutral and non-polar, with leucine, which is neutral and non-polar, at codon 381 of the GSN protein (p.Pro381Leu). This variant is not present in population databases (gnomAD no frequency). This variant has not been reported in the literature in individuals affected with GSN-related conditions. ClinVar contains an entry for this variant (Variation ID: 1373019). Advanced modeling of protein sequence and biophysical properties (such as structural, functional, and spatial information, amino acid conservation, physicochemical variation, residue mobility, and thermodynamic stability) performed at Invitae indicates that this missense variant is not expected to disrupt GSN protein function with a negative predictive value of 80%. In summary, the available evidence is currently insufficient to determine the role of this variant in disease. Therefore, it has been classified as a Variant of Uncertain Significance.

Fulgent Genetics
Classification: Uncertain significance for Finnish type amyloidosis. Last evaluated: 2022-01-06. Review status: criteria provided, single submitter. Criteria: ACMG Guidelines, 2015. Collection method: clinical testing. Allele origin: unknown.